The following is an entry in ClinVar:

NM_019892.6(INPP5E):c.373G>C (p.Ala125Pro)

Gene: INPP5E (inositol polyphosphate-5-phosphatase E; minus strand). Cytogenetic location: 9q34.3.
Variant type: single nucleotide variant.
Coding change: c.373G>C on transcript NM_019892.6 (MANE Select); coding-DNA position 373, G replaced by C.
Protein change: p.Ala125Pro; replaces alanine 125 with proline.
Molecular consequence: missense variant.
Genome position (GRCh38, 1-based): chr9:136,439,047, C>G on the plus strand (G>C on the coding strand, the complement: INPP5E is on the minus strand). VCF-style: chr9-136439047-C-G. GRCh37 (hg19) VCF-style: chr9-139333499-C-G.
Other names: c.373G>C, p.Ala125Pro (NM_001318502.2); c.373G>C (NM_019892.5); short protein forms A125P.
Identifiers: ClinVar variation 3596792 (VCV003596792.2).

ClinVar aggregate classification (germline): Uncertain significance. Review status: criteria provided, multiple submitters, no conflicts (2 of 4 stars). 2 submissions from 2 submitters: Uncertain significance (2). Last evaluated 2026-06-15.

Conditions:
INPP5E-related disorder. Also called: INPP5E-related condition.
Joubert syndrome 1 (JBTS1). Also called: Cerebellooculorenal syndrome 1; CEREBELLOPARENCHYMAL DISORDER IV. Identifiers: MedGen C4551568, MONDO:0008944, OMIM 213300.
MORM syndrome (MORMS). Identifiers: Orphanet 75858, MedGen C1857802, MONDO:0012423, OMIM 610156.

Submissions (2):

PreventionGenetics, part of Exact Sciences
Classification: Uncertain significance for INPP5E-related condition. Last evaluated: 2026-06-15. Review status: criteria provided, single submitter. Criteria: ACMG Guidelines, 2015. Collection method: clinical testing. Allele origin: germline.
Comment: The INPP5E c.373G>C variant is predicted to result in the amino acid substitution p.Ala125Pro. To our knowledge, this variant has not been reported in the literature. This variant is reported in 0.012% of alleles in individuals of African descent in gnomAD. At this time, the clinical significance of this variant is uncertain due to the absence of conclusive functional and genetic evidence.

Fulgent Genetics
Classification: Uncertain significance for Joubert syndrome 1; MORM syndrome. Last evaluated: 2024-05-13. Review status: criteria provided, single submitter. Criteria: ACMG Guidelines, 2015. Collection method: clinical testing. Allele origin: germline.